The following is an entry in ClinVar:

NM_033118.4(MYLK2):c.722G>C (p.Gly241Ala)

Gene: MYLK2 (myosin light chain kinase 2; plus strand). Cytogenetic location: 20q11.21.
Variant type: single nucleotide variant.
Coding change: c.722G>C on transcript NM_033118.4 (MANE Select); coding-DNA position 722, G replaced by C.
Protein change: p.Gly241Ala; replaces glycine 241 with alanine.
Molecular consequence: missense variant.
Genome position (GRCh38, 1-based): chr20:31,821,687, G>C. VCF-style: chr20-31821687-G-C. GRCh37 (hg19) VCF-style: chr20-30409490-G-C.
Other names: short protein forms G241A.
Identifiers: ClinVar variation 2014544 (VCV002014544.4), dbSNP rs1428034327, ClinGen allele CA408526222.

ClinVar aggregate classification (germline): Uncertain significance (1 of 4 stars; one submission).

Conditions:
Hypertrophic cardiomyopathy 1 (CMH1). Also called: Familial hypertrophic cardiomyopathy 1; MYH7-Related Familial Hypertrophic Cardiomyopathy. Identifiers: MedGen C3495498, MONDO:0008647, OMIM 192600.

gnomAD v4.1: 1 of 1,612,278 alleles (0.000062%); highest among the groups gnomAD compares: Admixed American, 0.0017%; no homozygotes.

Submission:

Labcorp Genetics (formerly Invitae), Labcorp
Classification: Uncertain significance for Hypertrophic cardiomyopathy 1. Last evaluated: 2022-08-30. Review status: criteria provided, single submitter. Criteria: Invitae Variant Classification Sherloc (09022015). Collection method: clinical testing. Allele origin: germline.
Comment: In summary, the available evidence is currently insufficient to determine the role of this variant in disease. Therefore, it has been classified as a Variant of Uncertain Significance. Algorithms developed to predict the effect of sequence changes on RNA splicing suggest that this variant may disrupt the consensus splice site. Algorithms developed to predict the effect of missense changes on protein structure and function (SIFT, PolyPhen-2, Align-GVGD) all suggest that this variant is likely to be tolerated. This variant has not been reported in the literature in individuals affected with MYLK2-related conditions. This variant is not present in population databases (gnomAD no frequency). This sequence change replaces glycine, which is neutral and non-polar, with alanine, which is neutral and non-polar, at codon 241 of the MYLK2 protein (p.Gly241Ala).